The following is an entry in ClinVar:

NM_001369.3(DNAH5):c.1730G>C (p.Arg577Thr)

Gene: DNAH5 (dynein axonemal heavy chain 5; minus strand). Cytogenetic location: 5p15.2.
Variant type: single nucleotide variant.
Coding change: c.1730G>C on transcript NM_001369.3 (MANE Select); coding-DNA position 1730, G replaced by C.
Protein change: p.Arg577Thr; replaces arginine 577 with threonine.
Molecular consequence: missense variant.
Genome position (GRCh38, 1-based): chr5:13,902,053, C>G on the plus strand (G>C on the coding strand, the complement: DNAH5 is on the minus strand). VCF-style: chr5-13902053-C-G. GRCh37 (hg19) VCF-style: chr5-13902162-C-G.
Other names: short protein forms R577T.
Identifiers: ClinVar variation 65637 (VCV000065637.32), dbSNP rs397515541, ClinGen allele CA344956.

ClinVar aggregate classification (germline): Pathogenic/Likely pathogenic. Review status: criteria provided, multiple submitters, no conflicts (2 of 4 stars). 9 submissions from 9 submitters: Pathogenic (3); Likely pathogenic (4). 2 of the submissions do not count toward it. Last evaluated 2025-12-26.

Conditions:
Respiratory ciliopathies including non-CF bronchiectasis.
Primary ciliary dyskinesia. Also called: Ciliary dyskinesia. Identifiers: Orphanet 244, MedGen C0008780, MONDO:0016575, HP:0012265.
Primary ciliary dyskinesia 3. Identifiers: Orphanet 244, MedGen C1837618, MONDO:0012085, OMIM 608644.

Allele frequency attached by ClinVar (database versions not stated): gnomAD exomes 0.00004 and 0.00002; TOPMed 0.00004; gnomAD 0.00001 and 0.00003; ExAC 0.00004.
gnomAD v4.1: 57 of 1,587,338 alleles (0.0036%); highest among the groups gnomAD compares: Non-Finnish European, 0.0048%; no homozygotes.

Submissions (10):

Natera, Inc.
Classification: Likely pathogenic for Primary ciliary dyskinesia. Last evaluated: 2025-12-26. Review status: criteria provided, single submitter. Criteria: Natera Variant Classification Schema (03/2026). Collection method: clinical testing. Allele origin: germline.
Comment: The c.1730G>C variant in DNAH5 is a missense variant predicted to cause substitution of arginine to threonine at amino acid 577. This variant is rare in the general population with a frequency below the threshold expected for the associated phenotype(s). This variant has been observed in one or more individuals affected with the associated recessive disease, as either homozygous or compound heterozygous with a second variant (PMID: 31879361). Functional studies show that this variant may disrupt protein function (PMID: 16627867). Computational prediction algorithms indicate this variant is likely to affect gene or protein function. Given the available evidence, this variant is classified as Likely Pathogenic.

Labcorp Genetics (formerly Invitae), Labcorp
Classification: Pathogenic for Primary ciliary dyskinesia. Last evaluated: 2025-09-08. Review status: criteria provided, single submitter. Criteria: Invitae Variant Classification Sherloc (09022015). Collection method: clinical testing. Allele origin: germline.
Comment: This sequence change affects codon 577 of the DNAH5 mRNA. It is a 'silent' change, meaning that it does not change the encoded amino acid sequence of the DNAH5 protein. RNA analysis indicates that this variant induces altered splicing and may result in an absent or altered protein product. This variant is present in population databases (rs397515541, gnomAD 0.004%). This variant has been observed in individual(s) with clinical features of primary ciliary dyskinesia (PMID: 16627867; internal data). In at least one individual the data is consistent with being in trans (on the opposite chromosome) from a pathogenic variant. ClinVar contains an entry for this variant (Variation ID: 65637). An algorithm developed to predict the effect of missense changes on protein structure and function (PolyPhen-2) suggests that this variant is likely to be tolerated. Variants that disrupt the consensus splice site are a relatively common cause of aberrant splicing (PMID: 17576681, 9536098). Studies have shown that this variant results in skipping of exon 13, and produces a non-functional protein and/or introduces a premature termination codon (PMID: 16627867). For these reasons, this variant has been classified as Pathogenic.

NHS Central & South Genomic Laboratory Hub
Classification: Pathogenic for Respiratory ciliopathies including non-CF bronchiectasis. Last evaluated: 2025-07-01. Review status: criteria provided, single submitter. Criteria: ACMG Guidelines, 2015. Collection method: clinical testing. Allele origin: germline. Affected: yes.

GeneDx
Classification: Likely pathogenic. Last evaluated: 2024-11-19. Review status: criteria provided, single submitter. Criteria: GeneDx Variant Classification Process June 2021. Collection method: clinical testing. Allele origin: germline. Affected: yes.
Comment: Functional studies and in silico splice predictors suggest that this variant causes skipping of exon 13 (PMID: 16627867); This variant is associated with the following publications: (PMID: 34758253, 16627867, 31879361)

Women's Health and Genetics/Laboratory Corporation of America, LabCorp
Classification: Likely pathogenic for Primary ciliary dyskinesia 3. Last evaluated: 2023-08-24. Review status: criteria provided, single submitter. Criteria: LabCorp Variant Classification Summary - May 2015. Collection method: clinical testing. Allele origin: germline.
Comment: Variant summary: DNAH5 c.1730G>C (p.Arg577Thr) results in a non-conservative amino acid change located in the Dynein heavy chain, tail domain (IPR013594) of the encoded protein sequence. Three of five in-silico tools predict a benign effect of the variant on protein function. Several computational tools predict a significant impact on normal splicing: Four predict the variant abolishes the canonical 5' splicing donor site. At least one publication reports experimental evidence that this variant leads to exon 13 skipping, resulting in premature protein truncation (example: Hofner_2006). The variant allele was found at a frequency of 2.2e-05 in 231028 control chromosomes (gnomAD). c.1730G>C has been reported in the literature in an individual affected with Primary ciliary dyskinesia (in heterozygous state), characterized by defective outer dynein arms on electron microscopy (example: Hofner_2006). The following publication has been ascertained in the context of this evaluation (PMID: 16627867). Four submitters have cited clinical-significance assessments for this variant to ClinVar after 2014 and classified the variant as VUS (n=1) and pathogenic/likely pathogenic (n=3). Based on the evidence outlined above, the variant was classified as likely pathogenic.

Mayo Clinic Laboratories, Mayo Clinic
Classification: Pathogenic for Primary ciliary dyskinesia 3. Last evaluated: 2016-12-29. Review status: criteria provided, single submitter. Criteria: ACMG Guidelines, 2015. Collection method: clinical testing. Allele origin: maternal.

Ambry Genetics
Classification: Likely pathogenic for Primary ciliary dyskinesia. Last evaluated: 2016-03-02. Review status: criteria provided, single submitter. Criteria: Ambry Variant Classification Scheme 2023. Collection method: clinical testing. Allele origin: germline.
Comment: The c.1730G>C variant (also known as p.R577T), located in coding exon 13 of the DNAH5 gene, results from a G to C substitution at nucleotide position 1730. The amino acid change results in arginine to threonine at codon 577, an amino acid with similar properties. However, this change occurs in the last base pair of coding exon 13, which makes it likely to have some effect on normal mRNA splicing. A second alteration was not detected; however, studies of the patient's respiratory epithelial cells showed exon 13 skipping, resulting in premature protein truncation (Hornef N, Am. J. Respir. Crit. Care Med. 2006 Jul; 174(2):120-6). This variant was not reported in population based cohorts in the following databases: Database of Single Nucleotide Polymorphisms (dbSNP), NHLBI Exome Sequencing Project (ESP), and 1000 Genomes Project. In the ESP, this variant was not observed in 6488 samples (12976 alleles) with coverage at this position. This amino acid position is well conserved in available vertebrate species. In addition, this alteration is predicted to be tolerated by in silico analysis. Based on the majority of available evidence to date, this variant is likely to be pathogenic.

Dr. Peter K. Rogan Lab, Western University
No classification provided (evidence only). Condition: Lung cancer. Review status: no classification provided. Collection method: in vitro. Allele origin: not applicable. Functional consequence: retained intron. Not counted in ClinVar's aggregate classification.

GeneReviews
No classification provided. Condition: Primary ciliary dyskinesia 3. Review status: no classification provided. Collection method: literature only. Allele origin: unknown. Not counted in ClinVar's aggregate classification.

Genomics England Pilot Project, Genomics England
Classification: Likely pathogenic for Primary ciliary dyskinesia 3. Review status: no assertion criteria provided. Criteria: ACGS Guidelines, 2016. Collection method: clinical testing. Allele origin: germline. Affected: yes. Not counted in ClinVar's aggregate classification.

Literature cited by the submitters: PubMed 31879361 (cited by Natera, Inc.); PubMed 16627867 (cited by 5 submitters); PubMed 17576681 (cited by Labcorp Genetics (formerly Invitae), Labcorp); PubMed 9536098 (cited by Labcorp Genetics (formerly Invitae), Labcorp); PubMed 20301301 (cited by GeneReviews); NCBI Bookshelf NBK1122 (cited by GeneReviews).